The following is an entry in ClinVar:

NM_001378454.1(ALMS1):c.36GGA[16] (p.Glu26_Glu28dup)

Gene: ALMS1 (ALMS1 centrosome and basal body associated protein; plus strand). Cytogenetic location: 2p13.1.
Variant type: Microsatellite.
Coding change: c.36GGA[16] on transcript NM_001378454.1 (MANE Select); 16 copies in a row of the 3-base unit GGA starting at c.36; the reference has 13 copies in a row; three copies, 9 bases duplicated; also written c.66_74dup.
Protein change: p.Glu26_Glu28dup.
Molecular consequence: inframe insertion.
Genome position (GRCh38, 1-based): chr2:73,385,934-73,385,942, GGAGGAGGA duplicated; duplicating any 9 consecutive bases within chr2:73,385,904-73,385,942 gives the same sequence; the position shown is the placement nearest the transcript's 3' end. VCF-style (leftmost placement, unchanged base first): chr2-73385903-T-TGGAGGAGGA. GRCh37 (hg19) VCF-style: chr2-73613031-T-TGGAGGAGGA.
Other names: c.72_77dupGGAGGA (NM_015120.4); c.66_74dup (NM_001378454.1); c.36GGA[17], p.Glu27_Glu29dup (NM_015120.4).
Identifiers: ClinVar variation 193379 (VCV000193379.53), dbSNP rs55889738, ClinGen allele CA10616139.

ClinVar aggregate classification (germline): Benign/Likely benign. Review status: criteria provided, multiple submitters, no conflicts (2 of 4 stars). 12 submissions from 12 submitters: Benign (3); Likely benign (4). 5 of the submissions do not count toward it. Last evaluated 2026-09-01.

Conditions:
Cardiovascular phenotype. Identifiers: MedGen CN230736.
Alstrom syndrome (ALMS). Identifiers: Orphanet 64, MedGen C0268425, MONDO:0008763, OMIM 203800.

Submissions (12):

CeGaT Center for Human Genetics Tuebingen
Classification: Likely benign. Last evaluated: 2026-09-01. Review status: criteria provided, single submitter. Criteria: CeGaT Center For Human Genetics Tuebingen Variant Classification Criteria Version 2. Collection method: clinical testing. Allele origin: germline. Affected: yes. Observed: 7 variant alleles.
Comment: ALMS1: BS1

ARUP Laboratories, Molecular Genetics and Genomics, ARUP Laboratories
Classification: Likely benign for Alstrom syndrome. Last evaluated: 2025-04-23. Review status: criteria provided, single submitter. Criteria: ARUP Molecular Germline Variant Investigation Process 2024. Collection method: clinical testing. Allele origin: germline.

GeneDx
Classification: Likely benign. Last evaluated: 2021-07-16. Review status: criteria provided, single submitter. Criteria: GeneDx Variant Classification Process June 2021. Collection method: clinical testing. Allele origin: germline. Affected: yes.

Ambry Genetics
Classification: Benign for Cardiovascular phenotype. Last evaluated: 2018-11-19. Review status: criteria provided, single submitter. Criteria: Ambry Variant Classification Scheme 2023. Collection method: clinical testing. Allele origin: germline.

Genomic Research Center, Shahid Beheshti University of Medical Sciences
Classification: Benign for Alstrom syndrome. Last evaluated: 2018-03-05. Review status: criteria provided, single submitter. Criteria: ACMG Guidelines, 2015. Collection method: clinical testing. Allele origin: inherited. Affected: no. Observed: 1 variant allele.

Center for Pediatric Genomic Medicine, Children's Mercy Hospital and Clinics
Classification: Likely benign. Last evaluated: 2017-04-27. Review status: criteria provided, single submitter. Criteria: ACMG Guidelines, 2015. Collection method: clinical testing. Allele origin: germline.

Eurofins Ntd Llc (ga)
Classification: Benign. Last evaluated: 2014-10-20. Review status: criteria provided, single submitter. Criteria: EGL Classification Definitions. Collection method: clinical testing. Allele origin: germline. Observed: 5 variant alleles, 4 heterozygotes, 1 homozygote.

Natera, Inc.
Classification: Benign for Alstrom syndrome. Last evaluated: 2019-11-01. Review status: no assertion criteria provided. Collection method: clinical testing. Allele origin: germline. Not counted in ClinVar's aggregate classification.

Clinical Genetics DNA and cytogenetics Diagnostics Lab, Erasmus MC, Erasmus Medical Center
Classification: Likely benign. Review status: no assertion criteria provided. Collection method: clinical testing. Allele origin: germline. Affected: yes. Study: VKGL Data-share Consensus. Not counted in ClinVar's aggregate classification.

Clinical Genetics, Academic Medical Center
Classification: Benign. Review status: no assertion criteria provided. Collection method: clinical testing. Allele origin: germline. Affected: yes. Study: VKGL Data-share Consensus. Not counted in ClinVar's aggregate classification.

Genome Diagnostics Laboratory, University Medical Center Utrecht
Classification: Likely benign. Review status: no assertion criteria provided. Collection method: clinical testing. Allele origin: germline. Affected: yes. Study: VKGL Data-share Consensus. Not counted in ClinVar's aggregate classification.

Laboratory of Diagnostic Genome Analysis, Leiden University Medical Center (LUMC)
Classification: Likely benign. Review status: no assertion criteria provided. Collection method: clinical testing. Allele origin: germline. Affected: yes. Study: VKGL Data-share Consensus. Not counted in ClinVar's aggregate classification.